The following is an entry in ClinVar:

NM_032389.6(ARFGAP2):c.809+6T>C

Gene: ARFGAP2 (ARF GTPase activating protein 2; minus strand). Cytogenetic location: 11p11.2.
Variant type: single nucleotide variant.
Coding change: c.809+6T>C on transcript NM_032389.6 (MANE Select); 6 bases into the intron after coding-DNA position 809, T replaced by C.
Molecular consequence: intron variant.
Genome position (GRCh38, 1-based): chr11:47,171,658, A>G on the plus strand (T>C on the coding strand, the complement: ARFGAP2 is on the minus strand). VCF-style: chr11-47171658-A-G. GRCh37 (hg19) VCF-style: chr11-47193209-A-G.
Other names: NC_000011.9:g.47193209A>G; c.725+6T>C (NM_001242832.2); c.851+6T>C (NM_001410995.1).
Identifiers: ClinVar variation 3055614 (VCV003055614.3), dbSNP rs114371790, ClinGen allele CA5971492.

ClinVar aggregate classification (germline): Benign (0 of 4 stars; one submission).

Conditions:
ARFGAP2-related disorder. Also called: ARFGAP2-related condition.

Allele frequency attached by ClinVar (database versions not stated): gnomAD exomes 0.00068; ExAC 0.00194; gnomAD 0.00597; ESP Exome Variant Server 0.00631; 1000 Genomes Project 0.00639; 1000 Genomes Project 30x 0.00671; TOPMed 0.00689.
gnomAD v4.1: 1,950 of 1,613,720 alleles (0.12%); highest among the groups gnomAD compares: African/African-American, 2.2%; 17 homozygotes.

Submissions (3):

PreventionGenetics, part of Exact Sciences
Classification: Benign for ARFGAP2-related condition. Last evaluated: 2019-07-12. Review status: no assertion criteria provided. Collection method: clinical testing. Allele origin: germline.
Comment: This variant is classified as benign based on ACMG/AMP sequence variant interpretation guidelines (Richards et al. 2015 PMID: 25741868, with internal and published modifications).

Dr. Peter K. Rogan Lab, Western University
No classification provided (evidence only). Condition: Acute myeloid leukemia. Review status: no classification provided. Collection method: in vitro. Allele origin: not applicable. Functional consequence: retained intron. Not counted in ClinVar's aggregate classification.

Dr. Peter K. Rogan Lab, Western University
No classification provided (evidence only). Condition: Ovarian serous cystadenocarcinoma. Review status: no classification provided. Collection method: in vitro. Allele origin: not applicable. Functional consequence: retained intron. Not counted in ClinVar's aggregate classification.